The following is an entry in ClinVar:

ClinVar aggregate classification (germline): Uncertain significance (1 of 4 stars; one submission).

Conditions:
Hereditary cancer-predisposing syndrome. Also called: Neoplastic Syndromes, Hereditary; Tumor predisposition; Hereditary Cancer Syndrome; Hereditary neoplastic syndrome. Identifiers: Orphanet 140162, MedGen C0027672, MeSH D009386, MONDO:0015356.

Submission:

Ambry Genetics
Classification: Uncertain significance for Hereditary cancer-predisposing syndrome. Last evaluated: 2021-11-22. Review status: criteria provided, single submitter. Criteria: Ambry Variant Classification Scheme 2023. Collection method: clinical testing. Allele origin: germline.
Comment: The c.702_731dup30 variant (also known as p.G235_P244dup), located in coding exon 3 of the SMARCA4 gene, results from an in-frame duplication of 30 nucleotides at nucleotide positions 702 to 731. This results in the duplication of 10 extra residues (GPGPGPGPGP) between codons 235 and 244. This in-frame variant is in a repetitive region of the gene and has no known function or association with disease. This amino acid position is highly conserved through mammals but not in all available vertebrate species. Missense and in-frame variants in SMARCA4 are known to cause neurodevelopmental disorders; however, such associations with rhabdoid tumor predisposition syndrome including small cell carcinoma of the ovary-hypercalcemic type (SCCOHT) are exceedingly rare (Kosho T et al. Am J Med Genet C Semin Med Genet. 2014 Sep;166C(3):262-75; Jelinic P et al. Nat Genet. 2014 May;46(5):424-6). Based on the supporting evidence, the association of this alteration with Coffin-Siris syndrome is unknown; however, the association of this alteration with rhabdoid tumor predisposition syndrome is unlikely.

NM_003072.5(SMARCA4):c.702_731dup (p.Pro244_Ala245insGlyProGlyProGlyProGlyProGlyPro)

Gene: SMARCA4 (SWI/SNF related BAF chromatin remodeling complex subunit ATPase 4; plus strand). Cytogenetic location: 19p13.2.
Variant type: Duplication.
Coding change: c.702_731dup on transcript NM_003072.5 (MANE Select); coding-DNA positions 702 to 731, 30 bases duplicated (TGGCCCTGGCCCCGGCCCGGGTCCCGGCCC).
Protein change: p.Pro244_Ala245insGlyProGlyProGlyProGlyProGlyPro.
Molecular consequence: inframe insertion. On other transcripts: inframe indel (1), non-coding transcript variant (1).
Genome position (GRCh38, 1-based): chr19:10,986,535-10,986,564, TGGCCCTGGCCCCGGCCCGGGTCCCGGCCC duplicated; duplicating any 30 consecutive bases within chr19:10,986,530-10,986,564 gives the same sequence; the c. name uses the placement nearest the transcript's 3' end. VCF-style (leftmost placement, unchanged base first): chr19-10986529-T-TGGCCCTGGCCCTGGCCCCGGCCCGGGTCCC. GRCh37 (hg19) VCF-style: chr19-11097205-T-TGGCCCTGGCCCTGGCCCCGGCCCGGGTCCC.
Other names: c.702_731dup, p.Pro244_Ala245insGlyProGlyProGlyProGlyProGlyPro (NM_001128844.3, NM_001128845.2, NM_001128846.2 and 6 more transcripts).
Identifiers: ClinVar variation 1756726 (VCV001756726.2), dbSNP rs2514005083, ClinGen allele CA2580096229.